The following is an entry in ClinVar:

ClinVar aggregate classification (germline): Uncertain significance (1 of 4 stars; one submission).

Conditions:
Succinyl-CoA acetoacetate transferase deficiency (SCOTD). Also called: KETOACIDOSIS DUE TO SCOT DEFICIENCY; 3-Oxoacid CoA Transferase Deficiency; Succinyl CoA:3-oxoacid CoA transferase deficiency; SCOT DEFICIENCY; SUCCINYL-CoA:3-KETOACID CoA-TRANSFERASE DEFICIENCY. Identifiers: Orphanet 832, MedGen C0342792, MONDO:0009492, OMIM 245050.

Submission:

Labcorp Genetics (formerly Invitae), Labcorp
Classification: Uncertain significance for Succinyl-CoA acetoacetate transferase deficiency. Last evaluated: 2022-08-23. Review status: criteria provided, single submitter. Criteria: Invitae Variant Classification Sherloc (09022015). Collection method: clinical testing. Allele origin: germline.
Comment: This sequence change replaces threonine, which is neutral and polar, with isoleucine, which is neutral and non-polar, at codon 372 of the OXCT1 protein (p.Thr372Ile). In summary, the available evidence is currently insufficient to determine the role of this variant in disease. Therefore, it has been classified as a Variant of Uncertain Significance. Algorithms developed to predict the effect of missense changes on protein structure and function are either unavailable or do not agree on the potential impact of this missense change (SIFT: "Deleterious"; PolyPhen-2: "Probably Damaging"; Align-GVGD: "Class C0"). ClinVar contains an entry for this variant (Variation ID: 1514180). This variant has not been reported in the literature in individuals affected with OXCT1-related conditions. This variant is not present in population databases (gnomAD no frequency).

NM_000436.4(OXCT1):c.1115C>T (p.Thr372Ile)

Genes: OXCT1 (3-oxoacid CoA-transferase 1; minus strand), LOC121725203 (Sharpr-MPRA regulatory region 14195; plus strand). Cytogenetic location: 5p13.1.
Variant type: single nucleotide variant.
Coding change: c.1115C>T on transcript NM_000436.4 (MANE Select); coding-DNA position 1115, C replaced by T.
Protein change: p.Thr372Ile; replaces threonine 372 with isoleucine.
Molecular consequence: missense variant.
Genome position (GRCh38, 1-based): chr5:41,794,734, G>A on the plus strand (C>T on the coding strand, the complement: OXCT1 is on the minus strand). VCF-style: chr5-41794734-G-A. GRCh37 (hg19) VCF-style: chr5-41794836-G-A.
Other names: c.1136C>T, p.Thr379Ile (NM_001364299.2, NM_001364300.2); c.1109C>T, p.Thr370Ile (NM_001364301.2); c.1115C>T, p.Thr372Ile (NM_001364302.2); c.557C>T, p.Thr186Ile (NM_001364303.2); short protein forms T370I, T379I, T372I, T186I.
Identifiers: ClinVar variation 1514180 (VCV001514180.6), dbSNP rs2112231295, ClinGen allele CA359691949.
Genomic context (GRCh38, chr5:41,794,734, plus strand): 5'-TACCCTCTAATCATTGCAAATGATTCATCGCTGGAGAAAAAAGAGGCTCCTGGAAGAATA[G>A]TAACTGTTTCCTTGCCTAAACACACACACACACAAAAGAAAGAAAAGGCTATTAGATTTC-3'
Protein context (NP_000427.1, residues 362-382): DLINAGKETV[Thr372Ile]ILPGASFFSS